The following is an entry in ClinVar:

ClinVar aggregate classification (germline): Uncertain significance (1 of 4 stars; one submission).

Allele frequency attached by ClinVar (database versions not stated): gnomAD exomes below 0.00001.

Submission:

Labcorp Genetics (formerly Invitae), Labcorp
Classification: Uncertain significance. Last evaluated: 2022-07-08. Review status: criteria provided, single submitter. Criteria: Invitae Variant Classification Sherloc (09022015). Collection method: clinical testing. Allele origin: germline.
Comment: This variant is not present in population databases (gnomAD no frequency). This sequence change replaces proline, which is neutral and non-polar, with threonine, which is neutral and polar, at codon 40 of the P3H2 protein (p.Pro40Thr). This variant has not been reported in the literature in individuals affected with P3H2-related conditions. In summary, the available evidence is currently insufficient to determine the role of this variant in disease. Therefore, it has been classified as a Variant of Uncertain Significance. Algorithms developed to predict the effect of missense changes on protein structure and function are either unavailable or do not agree on the potential impact of this missense change (SIFT: "Tolerated"; PolyPhen-2: "Possibly Damaging"; Align-GVGD: "Class C0").

NM_018192.4(P3H2):c.118C>A (p.Pro40Thr)

Gene: P3H2 (prolyl 3-hydroxylase 2; minus strand). Cytogenetic location: 3q28.
Variant type: single nucleotide variant.
Coding change: c.118C>A on transcript NM_018192.4 (MANE Select); coding-DNA position 118, C replaced by A.
Protein change: p.Pro40Thr; replaces proline 40 with threonine.
Molecular consequence: missense variant. On other transcripts: intron variant (1).
Genome position (GRCh38, 1-based): chr3:190,120,614, G>T on the plus strand (C>A on the coding strand, the complement: P3H2 is on the minus strand). VCF-style: chr3-190120614-G-T. GRCh37 (hg19) VCF-style: chr3-189838403-G-T.
Other names: c.-64+1589C>A (NM_001134418.2); short protein forms P40T.
Identifiers: ClinVar variation 2015191 (VCV002015191.4), dbSNP rs2473982703, ClinGen allele CA355860135.